The following is an entry in ClinVar:

NM_001845.6(COL4A1):c.1180G>A (p.Gly394Ser)

Gene: COL4A1 (collagen type IV alpha 1 chain; minus strand). Cytogenetic location: 13q34.
Variant type: single nucleotide variant.
Coding change: c.1180G>A on transcript NM_001845.6 (MANE Select); coding-DNA position 1180, G replaced by A.
Protein change: p.Gly394Ser; replaces glycine 394 with serine.
Molecular consequence: missense variant.
Genome position (GRCh38, 1-based): chr13:110,198,572, C>T on the plus strand (G>A on the coding strand, the complement: COL4A1 is on the minus strand). VCF-style: chr13-110198572-C-T. GRCh37 (hg19) VCF-style: chr13-110850919-C-T.
Other names: c.1180G>A, p.Gly394Ser (NM_001303110.2); short protein forms G394S.
Identifiers: ClinVar variation 2630656 (VCV002630656.1), dbSNP rs1879015838, ClinGen allele CA388724090.

ClinVar aggregate classification (germline): Uncertain significance (1 of 4 stars; one submission).

Conditions:
COL4A1-related disorder. Also called: COL4A1-related condition; COL4A1-related disorders. Identifiers: MedGen CN376119, MONDO:0800461.

Submission:

PreventionGenetics, part of Exact Sciences
Classification: Uncertain significance for COL4A1-related condition. Last evaluated: 2023-08-25. Review status: criteria provided, single submitter. Criteria: ACMG Guidelines, 2015. Collection method: clinical testing. Allele origin: germline.
Comment: The COL4A1 c.1180G>A variant is predicted to result in the amino acid substitution p.Gly394Ser. To our knowledge, this variant has not been reported in the literature or in a large population database, indicating this variant is rare. This variant substitutes a glycine residue within the triple helical domain (Plaisier and Ronco. 2016. PubMed ID: 20301768). Although we suspect that this variant may be pathogenic, at this time, the clinical significance of this variant is uncertain due to the absence of conclusive functional and genetic evidence.